The following is an entry in ClinVar:

ClinVar aggregate classification (germline): Pathogenic (1 of 4 stars; one submission).

Conditions:
Nemaline myopathy 10 (NEM10). Identifiers: MedGen C4015360, MONDO:0014513, OMIM 616165.

Submission:

Labcorp Genetics (formerly Invitae), Labcorp
Classification: Pathogenic for Nemaline myopathy 10. Last evaluated: 2020-10-28. Review status: criteria provided, single submitter. Criteria: Invitae Variant Classification Sherloc (09022015). Collection method: clinical testing. Allele origin: germline.
Comment: This variant is not present in population databases (ExAC no frequency). This sequence change creates a premature translational stop signal (p.Leu27*) in the LMOD3 gene. It is expected to result in an absent or disrupted protein product. Loss-of-function variants in LMOD3 are known to be pathogenic (PMID: 25250574). This variant has not been reported in the literature in individuals with LMOD3-related conditions. For these reasons, this variant has been classified as Pathogenic.

Literature cited by the submitters: PubMed 25250574.

NM_198271.5(LMOD3):c.80_95del (p.Asn26_Leu27insTer)

Genes: LMOD3 (leiomodin 3; minus strand), LOC126806710 (CDK7 strongly-dependent group 2 enhancer GRCh37_chr3:69170601-69171800; plus strand). Cytogenetic location: 3p14.1.
Variant type: Deletion.
Coding change: c.80_95del on transcript NM_198271.5 (MANE Select); coding-DNA positions 80 to 95, 16 bases deleted (TGTCTGCTGAAGAACT).
Protein change: p.Asn26_Leu27insTer.
Molecular consequence: nonsense.
Genome position (GRCh38, 1-based): chr3:69,122,292-69,122,307, AGTTCTTCAGCAGACA deleted on the plus strand (TGTCTGCTGAAGAACT on the coding strand, the reverse complement: LMOD3 is on the minus strand); deleting any 16 consecutive bases within chr3:69,122,292-69,122,311 gives the same sequence; the c. name uses the placement nearest the transcript's 3' end. VCF-style (leftmost placement, unchanged base first): chr3-69122291-CAGTTCTTCAGCAGACA-C. GRCh37 (hg19) VCF-style: chr3-69171442-CAGTTCTTCAGCAGACA-C.
Other names: c.80_95del, p.Asn26_Leu27insTer (NM_001304418.3).
Identifiers: ClinVar variation 1457468 (VCV001457468.6), dbSNP rs1212229943, ClinGen allele CA909810930.